The following is an entry in ClinVar:

ClinVar aggregate classification (germline): Uncertain significance (1 of 4 stars; one submission).

Conditions:
Tuberous sclerosis 1 (TSC1). Identifiers: Orphanet 805, MedGen C1854465, MONDO:0008612, OMIM 191100.

Submission:

Labcorp Genetics (formerly Invitae), Labcorp
Classification: Uncertain significance for Tuberous sclerosis 1. Last evaluated: 2021-12-07. Review status: criteria provided, single submitter. Criteria: Invitae Variant Classification Sherloc (09022015). Collection method: clinical testing. Allele origin: germline.
Comment: In summary, the available evidence is currently insufficient to determine the role of this variant in disease. Therefore, it has been classified as a Variant of Uncertain Significance. Experimental studies and prediction algorithms are not available or were not evaluated, and the functional significance of this variant is currently unknown. This variant has not been reported in the literature in individuals affected with TSC1-related conditions. This variant is not present in population databases (gnomAD no frequency). This variant, c.3481_3483del, results in the deletion of 1 amino acid(s) of the TSC1 protein (p.His1161del), but otherwise preserves the integrity of the reading frame.

NM_000368.5(TSC1):c.3478CAT[1] (p.His1161del)

Gene: TSC1 (TSC complex subunit 1; minus strand). Cytogenetic location: 9q34.13.
Variant type: Microsatellite.
Coding change: c.3478CAT[1] on transcript NM_000368.5 (MANE Select); one copy of the 3-base unit CAT starting at c.3478; the reference has two copies in a row; one copy, 3 bases deleted.
Protein change: p.His1161del; deletes histidine 1161.
Molecular consequence: inframe deletion. On other transcripts: inframe indel (39).
Genome position (GRCh38, 1-based): chr9:132,896,247-132,896,249, ATG deleted on the plus strand (CAT on the coding strand, the reverse complement: TSC1 is on the minus strand); deleting any 3 consecutive bases within chr9:132,896,247-132,896,253 gives the same sequence; the position shown is the placement nearest the transcript's 3' end. VCF-style (leftmost placement, unchanged base first): chr9-132896246-CATG-C. GRCh37 (hg19) VCF-style: chr9-135771633-CATG-C.
Other names: c.3477_3479TCA[1], p.His1161del (NM_001406595.1, NM_001406596.1, NM_001406592.1 and 2 more transcripts); c.3474_3476TCA[1], p.His1160del (NM_001406597.1, NM_001406598.1, NM_001406599.1 and 1 more transcripts); c.3475CAT[1], p.His1160del (NM_001162426.2); c.3325CAT[1], p.His1110del (NM_001162427.2); c.3115CAT[1], p.His1040del (NM_001362177.2); c.3462_3464TCA[1], p.His1156del (NM_001406601.1, NM_001406602.1); c.3459_3461TCA[1], p.His1155del (NM_001406603.1, NM_001406604.1); c.3435_3437TCA[1], p.His1147del (NM_001406605.1, NM_001406606.1, NM_001406607.1); and 11 more; short protein forms H1040del, H1095del, H1109del, H1110del, H1146del, H1025del, H1147del, H1155del.
Identifiers: ClinVar variation 2036394 (VCV002036394.4), dbSNP rs2538419334, ClinGen allele CA2580617121.